The following is an entry in ClinVar:

NM_002907.4(RECQL):c.1862G>A (p.Gly621Asp)

Genes: PYROXD1 (pyridine nucleotide-disulphide oxidoreductase domain 1; plus strand), RECQL (RecQ like helicase; minus strand). Cytogenetic location: 12p12.1.
Variant type: single nucleotide variant.
Coding change: c.1862G>A on transcript NM_002907.4 (MANE Select); coding-DNA position 1862, G replaced by A.
Protein change: p.Gly621Asp; replaces glycine 621 with aspartic acid.
Molecular consequence: missense variant. On other transcripts: 3 prime UTR variant (3).
Genome position (GRCh38, 1-based): chr12:21,470,282, C>T on the plus strand (G>A on the coding strand, the complement: RECQL is on the minus strand). VCF-style: chr12-21470282-C-T. GRCh37 (hg19) VCF-style: chr12-21623216-C-T.
Other names: c.1862G>A, p.Gly621Asp (NM_032941.3); c.*1528C>T (NM_001350912.2, NM_001350913.2, NM_024854.5); short protein forms G621D.
Identifiers: ClinVar variation 1781524 (VCV001781524.3), dbSNP rs986805989, ClinGen allele CA384113798.

ClinVar aggregate classification (germline): Uncertain significance (1 of 4 stars; one submission).

Submission:

Ambry Genetics
Classification: Uncertain significance. Last evaluated: 2024-11-05. Review status: criteria provided, single submitter. Criteria: Ambry Variant Classification Scheme 2023. Collection method: clinical testing. Allele origin: germline.
Comment: The p.G621D variant (also known as c.1862G>A), located in coding exon 14 of the RECQL gene, results from a G to A substitution at nucleotide position 1862. The glycine at codon 621 is replaced by aspartic acid, an amino acid with similar properties. This amino acid position is conserved. In addition, this alteration is predicted to be tolerated by in silico analysis. Since supporting evidence is limited at this time, the clinical significance of this alteration remains unclear.